The following is an entry in ClinVar:

NM_001982.4(ERBB3):c.1097C>A (p.Thr366Asn)

Gene: ERBB3 (erb-b2 receptor tyrosine kinase 3; plus strand). Cytogenetic location: 12q13.2.
Variant type: single nucleotide variant.
Coding change: c.1097C>A on transcript NM_001982.4 (MANE Select); coding-DNA position 1097, C replaced by A.
Protein change: p.Thr366Asn; replaces threonine 366 with asparagine.
Molecular consequence: missense variant.
Genome position (GRCh38, 1-based): chr12:56,088,856, C>A. VCF-style: chr12-56088856-C-A. GRCh37 (hg19) VCF-style: chr12-56482640-C-A.
Other names: short protein forms T366N.
Identifiers: ClinVar variation 4527942 (VCV004527942.2).

ClinVar aggregate classification (germline): Uncertain significance (1 of 4 stars; one submission).

gnomAD v4.1: 1 of 1,614,124 alleles (0.000062%); highest among the groups gnomAD compares: Non-Finnish European, 0.000085%; no homozygotes.

Submission:

GeneDx
Classification: Uncertain significance. Last evaluated: 2026-10-01. Review status: criteria provided, single submitter. Criteria: GeneDx Variant Classification Process June 2021. Collection method: clinical testing. Allele origin: germline.
Comment: Not observed at significant frequency in large population cohorts (gnomAD); In silico analysis supports that this missense variant has a deleterious effect on protein structure/function; Has not been previously published as pathogenic or benign to our knowledge